The following is an entry in ClinVar:

ClinVar aggregate classification (germline): Uncertain significance (1 of 4 stars; one submission).

Conditions:
Hereditary nonpolyposis colorectal neoplasms. Identifiers: MedGen C0009405, MeSH D003123.

Submission:

Labcorp Genetics (formerly Invitae), Labcorp
Classification: Uncertain significance for Hereditary nonpolyposis colorectal neoplasms. Last evaluated: 2022-04-29. Review status: criteria provided, single submitter. Criteria: Invitae Variant Classification Sherloc (09022015). Collection method: clinical testing. Allele origin: germline.
Comment: This variant is not present in population databases (gnomAD no frequency). This sequence change falls in intron 4 of the MSH6 gene. It does not directly change the encoded amino acid sequence of the MSH6 protein. It affects a nucleotide within the consensus splice site. This variant has not been reported in the literature in individuals affected with MSH6-related conditions. Variants that disrupt the consensus splice site are a relatively common cause of aberrant splicing (PMID: 17576681, 9536098). Algorithms developed to predict the effect of sequence changes on RNA splicing suggest that this variant may disrupt the consensus splice site. In summary, the available evidence is currently insufficient to determine the role of this variant in disease. Therefore, it has been classified as a Variant of Uncertain Significance.

Literature cited by the submitters: PubMed 17576681; PubMed 9536098.

NM_000179.3(MSH6):c.3173-3del

Gene: MSH6 (mutS homolog 6; plus strand). Cytogenetic location: 2p16.3.
Variant type: Deletion.
Coding change: c.3173-3del on transcript NM_000179.3 (MANE Select); 3 bases into the intron before coding-DNA position 3173, one base deleted (C; older notation c.3173-3delC).
Molecular consequence: intron variant.
Genome position (GRCh38, 1-based): chr2:47,803,417, C deleted. VCF-style (leftmost placement, unchanged base first): chr2-47803416-AC-A. GRCh37 (hg19) VCF-style: chr2-48030555-AC-A.
Other names: c.2267-3del (NM_001281493.2, NM_001281494.2); c.2783-3del (NM_001281492.2).
Identifiers: ClinVar variation 2131853 (VCV002131853.4), dbSNP rs2530757377, ClinGen allele CA2580066921.